The following is an entry in ClinVar:

ClinVar aggregate classification (germline): Pathogenic (1 of 4 stars; one submission).

Conditions:
Neurofibromatosis, type 1 (NF1). Also called: VON RECKLINGHAUSEN DISEASE; Peripheral type neurofibromatosis; NEUROFIBROMATOSIS, TYPE I, SOMATIC; Neurofibromatosis, type I. Identifiers: Orphanet 636, MedGen C0027831, MONDO:0018975, OMIM 162200. Disease mechanism: loss of function.

Submission:

Labcorp Genetics (formerly Invitae), Labcorp
Classification: Pathogenic for Neurofibromatosis, type 1. Last evaluated: 2018-05-26. Review status: criteria provided, single submitter. Criteria: Invitae Variant Classification Sherloc (09022015). Collection method: clinical testing. Allele origin: germline.
Comment: For these reasons, this variant has been classified as Pathogenic. Loss-of-function variants in NF1 are known to be pathogenic (PMID: 10712197, 23913538). This variant has not been reported in the literature in individuals with NF1-related disease. This variant is not present in population databases (ExAC no frequency). This sequence change creates a premature translational stop signal (p.Val1686Argfs*8) in the NF1 gene. It is expected to result in an absent or disrupted protein product.

Literature cited by the submitters: PubMed 10712197; PubMed 23913538.

NM_001042492.3(NF1):c.5119_5126del (p.Val1707fs)

Gene: NF1 (neurofibromin 1; plus strand). Cytogenetic location: 17q11.2.
Variant type: Deletion.
Coding change: c.5119_5126del on transcript NM_001042492.3 (MANE Select); coding-DNA positions 5119 to 5126, 8 bases deleted (GTTTTCAT; older notation c.5119_5126delGTTTTCAT).
Protein change: p.Val1707fs; shifts the reading frame from valine 1707.
Molecular consequence: frameshift variant.
Genome position (GRCh38, 1-based): chr17:31,326,103-31,326,110, GTTTTCAT deleted; deleting any 8 consecutive bases within chr17:31,326,102-31,326,110 gives the same sequence; the c. name uses the placement nearest the transcript's 3' end. VCF-style (leftmost placement, unchanged base first): chr17-31326101-TTGTTTTCA-T. GRCh37 (hg19) VCF-style: chr17-29653119-TTGTTTTCA-T.
Other names: c.5056_5063delGTTTTCAT, p.Val1686Argfs (NM_000267.4); short protein forms V1686fs, V1707fs.
Identifiers: ClinVar variation 1073992 (VCV001073992.5), dbSNP rs2151538552, ClinGen allele CA2499224161.